The following is an entry in ClinVar:

ClinVar aggregate classification (germline): Uncertain significance. Review status: criteria provided, multiple submitters, no conflicts (2 of 4 stars). 2 submissions from 2 submitters: Uncertain significance (2). Last evaluated 2023-11-06.

Conditions:
Hereditary cancer-predisposing syndrome. Also called: Neoplastic Syndromes, Hereditary; Tumor predisposition; Hereditary Cancer Syndrome; Hereditary neoplastic syndrome. Identifiers: Orphanet 140162, MedGen C0027672, MeSH D009386, MONDO:0015356.

Allele frequency attached by ClinVar (database versions not stated): gnomAD exomes below 0.00001; TOPMed below 0.00001.
gnomAD v4.1: 1 of 1,581,566 alleles (0.000063%); highest among the groups gnomAD compares: East Asian, 0.0023%; no homozygotes.

Submissions (2):

GeneDx
Classification: Uncertain significance. Last evaluated: 2023-11-06. Review status: criteria provided, single submitter. Criteria: GeneDx Variant Classification Process June 2021. Collection method: clinical testing. Allele origin: germline. Affected: yes.
Comment: In silico analysis supports that this missense variant does not alter protein structure/function; Has not been previously published as pathogenic or benign to our knowledge; This variant is associated with the following publications: (PMID: 29093439)

Ambry Genetics
Classification: Uncertain significance for Hereditary cancer-predisposing syndrome. Last evaluated: 2022-03-02. Review status: criteria provided, single submitter. Criteria: Ambry Variant Classification Scheme 2023. Collection method: clinical testing. Allele origin: germline.
Comment: The p.P670S variant (also known as c.2008C>T), located in coding exon 18 of the TSC2 gene, results from a C to T substitution at nucleotide position 2008. The proline at codon 670 is replaced by serine, an amino acid with similar properties. This amino acid position is not well conserved in available vertebrate species. In addition, the in silico prediction for this alteration is inconclusive. Since supporting evidence is limited at this time, the clinical significance of this alteration remains unclear.

NM_000548.5(TSC2):c.2008C>T (p.Pro670Ser)

Gene: TSC2 (TSC complex subunit 2; plus strand). Cytogenetic location: 16p13.3.
Variant type: single nucleotide variant.
Coding change: c.2008C>T on transcript NM_000548.5 (MANE Select); coding-DNA position 2008, C replaced by T.
Protein change: p.Pro670Ser; replaces proline 670 with serine.
Molecular consequence: missense variant.
Genome position (GRCh38, 1-based): chr16:2,071,845, C>T. VCF-style: chr16-2071845-C-T. GRCh37 (hg19) VCF-style: chr16-2121846-C-T.
Other names: c.2008C>T, p.Pro670Ser (NM_001077183.3, NM_001114382.3, NM_001363528.2 and 6 more transcripts); c.1897C>T, p.Pro633Ser (NM_001318827.2, NM_001406670.1, NM_001406678.1); c.1861C>T, p.Pro621Ser (NM_001318829.2, NM_001406675.1, NM_001406676.1 and 1 more transcripts); c.1408C>T, p.Pro470Ser (NM_001318831.2, NM_001406680.1, NM_001406682.1 and 6 more transcripts); c.2041C>T, p.Pro681Ser (NM_001318832.2); c.2098C>T, p.Pro700Ser (NM_001406667.1, NM_001406668.1); c.1996C>T, p.Pro666Ser (NM_001406671.1, NM_001406673.1); c.1951C>T, p.Pro651Ser (NM_001406677.1); and 3 more; short protein forms P222S, P470S, P666S, P670S, P681S, P516S, P633S, P621S.
Identifiers: ClinVar variation 1784358 (VCV001784358.3), dbSNP rs1338802781, ClinGen allele CA394274463.